The following is an entry in ClinVar:

ClinVar aggregate classification (germline): Uncertain significance (1 of 4 stars; one submission).

gnomAD v4.1: 1 of 1,435,870 alleles (0.00007%); no homozygotes.

Submission:

Labcorp Genetics (formerly Invitae), Labcorp
Classification: Uncertain significance. Last evaluated: 2023-08-27. Review status: criteria provided, single submitter. Criteria: Invitae Variant Classification Sherloc (09022015). Collection method: clinical testing. Allele origin: germline.
Comment: In summary, the available evidence is currently insufficient to determine the role of this variant in disease. Therefore, it has been classified as a Variant of Uncertain Significance. This sequence change affects codon 29 of the ECHS1 mRNA. It is a 'silent' change, meaning that it does not change the encoded amino acid sequence of the ECHS1 protein. It affects a nucleotide within the consensus splice site. This variant is not present in population databases (gnomAD no frequency). This variant has not been reported in the literature in individuals affected with ECHS1-related conditions. Algorithms developed to predict the effect of sequence changes on RNA splicing suggest that this variant may disrupt the consensus splice site.

NM_004092.4(ECHS1):c.87G>A (p.Ser29=)

Genes: ECHS1 (enoyl-CoA hydratase, short chain 1; minus strand), LOC130005023 (ATAC-STARR-seq lymphoblastoid silent region 2977; plus strand). Cytogenetic location: 10q26.3.
Variant type: single nucleotide variant.
Coding change: c.87G>A on transcript NM_004092.4 (MANE Select); coding-DNA position 87, G replaced by A.
Protein change: p.Ser29=; no amino-acid change (serine 29 retained).
Molecular consequence: synonymous variant.
Genome position (GRCh38, 1-based): chr10:133,373,247, C>T on the plus strand (G>A on the coding strand, the complement: ECHS1 is on the minus strand). VCF-style: chr10-133373247-C-T. GRCh37 (hg19) VCF-style: chr10-135186751-C-T.
Identifiers: ClinVar variation 2755664 (VCV002755664.2), dbSNP rs1406220729, ClinGen allele CA472229924.